The following is an entry in ClinVar:

ClinVar aggregate classification (germline): Likely benign (0 of 4 stars; one submission).

Conditions:
MC4R-related disorder. Also called: MC4R-related condition.

Allele frequency attached by ClinVar (database versions not stated): gnomAD exomes below 0.00001; TOPMed below 0.00001; gnomAD 0.00001.

Submission:

PreventionGenetics, part of Exact Sciences
Classification: Likely benign for MC4R-related condition. Last evaluated: 2023-07-27. Review status: no assertion criteria provided. Collection method: clinical testing. Allele origin: germline.
Comment: This variant is classified as likely benign based on ACMG/AMP sequence variant interpretation guidelines (Richards et al. 2015 PMID: 25741868, with internal and published modifications).

NM_005912.3(MC4R):c.693C>T (p.Gly231=)

Gene: MC4R (melanocortin 4 receptor; minus strand). Cytogenetic location: 18q21.32.
Variant type: single nucleotide variant.
Coding change: c.693C>T on transcript NM_005912.3 (MANE Select); coding-DNA position 693, C replaced by T.
Protein change: p.Gly231=; no amino-acid change (glycine 231 retained).
Molecular consequence: synonymous variant.
Genome position (GRCh38, 1-based): chr18:60,371,657, G>A on the plus strand (C>T on the coding strand, the complement: MC4R is on the minus strand). VCF-style: chr18-60371657-G-A. GRCh37 (hg19) VCF-style: chr18-58038890-G-A.
Identifiers: ClinVar variation 3050050 (VCV003050050.2), dbSNP rs533763458, ClinGen allele CA301530023.